The following is an entry in ClinVar:

ClinVar aggregate classification (germline): Conflicting classifications of pathogenicity. Review status: criteria provided, conflicting classifications (1 of 4 stars). 5 submissions from 5 submitters: Uncertain significance (4); Likely benign (1). Last evaluated 2025-02-16.

Conditions:
Hereditary cancer-predisposing syndrome. Also called: Hereditary neoplastic syndrome; Neoplastic Syndromes, Hereditary; Hereditary Cancer Syndrome; Tumor predisposition. Identifiers: Orphanet 140162, MedGen C0027672, MeSH D009386, MONDO:0015356.
Tuberous sclerosis 2 (TSC2). Identifiers: Orphanet 805, MedGen C1860707, MONDO:0013199, OMIM 613254.

Allele frequency attached by ClinVar (database versions not stated): gnomAD exomes below 0.00001; TOPMed below 0.00001.
gnomAD v4.1: 2 of 1,613,988 alleles (0.00012%); highest among the groups gnomAD compares: Non-Finnish European, 0.00017%; no homozygotes.

Submissions (5):

Laboratory of Genetics, Children's Clinical University Hospital Latvia
Classification: Likely benign. Last evaluated: 2025-02-16. Review status: criteria provided, single submitter. Criteria: ACMG Guidelines, 2015. Collection method: clinical testing. Allele origin: germline. Affected: yes.

Ambry Genetics
Classification: Uncertain significance for Hereditary cancer-predisposing syndrome. Last evaluated: 2024-12-22. Review status: criteria provided, single submitter. Criteria: Ambry Variant Classification Scheme 2023. Collection method: clinical testing. Allele origin: germline.
Comment: The p.K14R variant (also known as c.41A>G), located in coding exon 1 of the TSC2 gene, results from an A to G substitution at nucleotide position 41. The lysine at codon 14 is replaced by arginine, an amino acid with highly similar properties. This amino acid position is conserved. In addition, the in silico prediction for this alteration is inconclusive. Based on the available evidence, the clinical significance of this variant remains unclear.

GeneDx
Classification: Uncertain significance. Last evaluated: 2023-11-25. Review status: criteria provided, single submitter. Criteria: GeneDx Variant Classification Process June 2021. Collection method: clinical testing. Allele origin: germline. Affected: yes.
Comment: Not observed at significant frequency in large population cohorts (gnomAD); In silico analysis supports that this missense variant does not alter protein structure/function; Has not been previously published as pathogenic or benign to our knowledge; This variant is associated with the following publications: (PMID: 18466115)

Labcorp Genetics (formerly Invitae), Labcorp
Classification: Uncertain significance for Tuberous sclerosis 2. Last evaluated: 2023-10-10. Review status: criteria provided, single submitter. Criteria: Invitae Variant Classification Sherloc (09022015). Collection method: clinical testing. Allele origin: germline.
Comment: This sequence change replaces lysine, which is basic and polar, with arginine, which is basic and polar, at codon 14 of the TSC2 protein (p.Lys14Arg). This variant is not present in population databases (gnomAD no frequency). This variant has not been reported in the literature in individuals affected with TSC2-related conditions. ClinVar contains an entry for this variant (Variation ID: 1395321). Advanced modeling of protein sequence and biophysical properties (such as structural, functional, and spatial information, amino acid conservation, physicochemical variation, residue mobility, and thermodynamic stability) performed at Invitae indicates that this missense variant is not expected to disrupt TSC2 protein function. In summary, the available evidence is currently insufficient to determine the role of this variant in disease. Therefore, it has been classified as a Variant of Uncertain Significance.

Sema4
Classification: Uncertain significance for Hereditary cancer-predisposing syndrome. Last evaluated: 2022-01-12. Review status: criteria provided, single submitter. Criteria: Sema4 Curation Guidelines. Collection method: curation. Allele origin: germline.
Comment: The TSC2 c.41A>G (p.K14R) variant has not been reported in the literature to our knowledge. It was not observed in the large and broad cohorts of the Genome Aggregation Database (PMID: 32461654), nor has it been reported in ClinVar. Functional studies have not been performed, and in silico predictions of the variant's effect on protein function are inconclusive. The evidence is insufficient to meet ACMG/AMP criteria for classifying the variant as benign or pathogenic. Thus, the clinical significance of this variant is currently uncertain.

NM_000548.5(TSC2):c.41A>G (p.Lys14Arg)

Gene: TSC2 (TSC complex subunit 2; plus strand). Cytogenetic location: 16p13.3.
Variant type: single nucleotide variant.
Coding change: c.41A>G on transcript NM_000548.5 (MANE Select); coding-DNA position 41, A replaced by G.
Protein change: p.Lys14Arg; replaces lysine 14 with arginine.
Molecular consequence: missense variant. On other transcripts: 5 prime UTR variant (1), intron variant (1).
Genome position (GRCh38, 1-based): chr16:2,048,656, A>G. VCF-style: chr16-2048656-A-G. GRCh37 (hg19) VCF-style: chr16-2098657-A-G.
Other names: c.41A>G, p.Lys14Arg (NM_001077183.3, NM_001114382.3, NM_001318827.2 and 4 more transcripts); c.-186A>G (NM_001318831.2); c.74A>G, p.Lys25Arg (NM_001318832.2); c.-10+591A>G (NM_001318829.2); short protein forms K14R, K25R.
Identifiers: ClinVar variation 1395321 (VCV001395321.10), dbSNP rs1263108967, ClinGen allele CA394300893.